The following is an entry in ClinVar:

ClinVar aggregate classification (germline): Benign/Likely benign. Review status: criteria provided, multiple submitters, no conflicts (2 of 4 stars). 21 submissions from 20 submitters: Benign (13); Likely benign (4). 4 of the submissions do not count toward it. Last evaluated 2026-09-21.

Conditions:
Cardiovascular phenotype. Identifiers: MedGen CN230736.
Catecholaminergic polymorphic ventricular tachycardia (CVPT). Also called: Catecholamine-induced polymorphic ventricular tachycardia. Identifiers: Orphanet 3286, MedGen C5574922, MONDO:0017990.
Catecholaminergic polymorphic ventricular tachycardia 1. Also called: VENTRICULAR TACHYCARDIA, STRESS-INDUCED POLYMORPHIC 1; RYR2-Related Catecholaminergic Polymorphic Ventricular Tachycardia; VENTRICULAR TACHYCARDIA, CATECHOLAMINERGIC POLYMORPHIC, 1, WITH OR WITHOUT ATRIAL DYSFUNCTION AND/OR DILATED CARDIOMYOPATHY. Identifiers: Orphanet 3286, MedGen C1631597, MONDO:0011484, OMIM 604772.
Cardiomyopathy (CMYO). Also called: Cardiomyopathies. Identifiers: Orphanet 167848, MedGen C0878544, MONDO:0004994, HP:0001638. Inheritance: Various modes of inheritance.
Arrhythmogenic right ventricular dysplasia 2. Identifiers: MedGen C1832931.

Allele frequency attached by ClinVar (database versions not stated): 1000 Genomes Project 0.00140; 1000 Genomes Project 30x 0.00156; ESP Exome Variant Server 0.00264; gnomAD 0.00283; TOPMed 0.00286.
gnomAD v4.1: 733 of 1,613,646 alleles (0.045%); highest among the groups gnomAD compares: African/African-American, 0.86%; 6 homozygotes.

Submissions (21):

Molecular Diagnostic Laboratory for Inherited Cardiovascular Disease, Montreal Heart Institute
Classification: Benign. Last evaluated: 2026-09-21. Review status: criteria provided, single submitter. Criteria: ACMG Guidelines, 2015. Collection method: clinical testing. Allele origin: germline. Affected: no.

CeGaT Center for Human Genetics Tuebingen
Classification: Likely benign. Last evaluated: 2026-08-01. Review status: criteria provided, single submitter. Criteria: CeGaT Center For Human Genetics Tuebingen Variant Classification Criteria Version 2. Collection method: clinical testing. Allele origin: germline. Affected: yes. Observed: 3 variant alleles.
Comment: RYR2: BP4, BP7, BS1

Labcorp Genetics (formerly Invitae), Labcorp
Classification: Benign for Catecholaminergic polymorphic ventricular tachycardia 1. Last evaluated: 2026-02-03. Review status: criteria provided, single submitter. Criteria: Invitae Variant Classification Sherloc (09022015). Collection method: clinical testing. Allele origin: germline.

Blueprint Genetics
Classification: Likely benign. Last evaluated: 2024-11-26. Review status: criteria provided, single submitter. Criteria: ACMG Guidelines, 2015. Collection method: clinical testing. Allele origin: germline.

All of Us Research Program, National Institutes of Health
Classification: Benign for Catecholaminergic polymorphic ventricular tachycardia. Last evaluated: 2024-02-05. Review status: criteria provided, single submitter. Criteria: ACMG Guidelines, 2015. Collection method: clinical testing. Allele origin: germline. Inheritance: Autosomal dominant inheritance. Observed: 160 variant alleles, 160 heterozygotes.
Comment: This study involves interpretation of variants in research participants for the purpose of population health screening. Participant phenotype was not available at the time of variant classification. Additional details can be found in publication PMID: 35346344, PMCID: PMC8962531

Mayo Clinic Laboratories, Mayo Clinic
Classification: Benign. Last evaluated: 2024-01-26. Review status: criteria provided, single submitter. Criteria: ACMG Guidelines, 2015. Collection method: clinical testing. Allele origin: germline. Observed: 4 variant alleles.
Comment: BS1, BS2, BP4, BP7

ARUP Laboratories, Molecular Genetics and Genomics, ARUP Laboratories
Classification: Benign. Last evaluated: 2021-01-20. Review status: criteria provided, single submitter. Criteria: ARUP Molecular Germline Variant Investigation Process 2021. Collection method: clinical testing. Allele origin: germline.

Color Diagnostics, LLC DBA Color Health
Classification: Benign for Cardiomyopathy. Last evaluated: 2018-11-08. Review status: criteria provided, single submitter. Criteria: ACMG Guidelines, 2015. Collection method: clinical testing. Allele origin: germline.

Women's Health and Genetics/Laboratory Corporation of America, LabCorp
Classification: Benign. Last evaluated: 2018-09-04. Review status: criteria provided, single submitter. Criteria: LabCorp Variant Classification Summary - May 2015. Collection method: clinical testing. Allele origin: germline.
Comment: Variant summary: RYR2 c.1218G>A alters a non-conserved nucleotide resulting in a synonymous change. 5/5 computational tools predict no significant impact on normal splicing. However, these predictions have yet to be confirmed by functional studies. The variant allele was found at a frequency of 0.00088 in 276924 control chromosomes, predominantly within the African subpopulation at a frequency of 0.0096 in the gnomAD database, including 4 homozygotes. This frequency within African control individuals is approximately 160-fold above the estimated maximal expected allele frequency for a pathogenic variant in RYR2 causing Arrhythmia phenotype (6e-05), strongly suggesting that the variant is a benign polymorphism found primarily in populations of African origin. To our knowledge, no occurrence of c.1218G>A in individuals affected with Arrhythmia and no experimental evidence demonstrating its impact on protein function have been reported. Four clinical diagnostic laboratories have submitted clinical-significance assessments for this variant to ClinVar after 2014 and all classified the variant as benign/likely benign. Based on the evidence outlined above, the variant was classified as benign.

Illumina Laboratory Services, Illumina
Classification: Likely benign for Catecholaminergic polymorphic ventricular tachycardia 1. Last evaluated: 2018-01-12. Review status: criteria provided, single submitter. Criteria: ICSL Variant Classification Criteria 13 December 2019. Collection method: clinical testing. Allele origin: germline.
Comment: This variant was observed in the ICSL laboratory as part of a predisposition screen in an ostensibly healthy population. It had not been previously curated by ICSL or reported in the Human Gene Mutation Database (HGMD: prior to June 1st, 2018), and was therefore a candidate for classification through an automated scoring system. Utilizing variant allele frequency, disease prevalence and penetrance estimates, and inheritance mode, an automated score was calculated to assess if this variant is too frequent to cause the disease. Based on the score and internal cut-off values, a variant classified as likely benign is not then subjected to further curation. The score for this variant resulted in a classification of likely benign for this disease.

Illumina Laboratory Services, Illumina
Classification: Benign for Catecholaminergic polymorphic ventricular tachycardia 1. Last evaluated: 2018-01-12. Review status: criteria provided, single submitter. Criteria: ICSL Variant Classification Criteria 13 December 2019. Collection method: clinical testing. Allele origin: germline.
Comment: This variant was observed in the ICSL laboratory as part of a predisposition screen in an ostensibly healthy population. It had not been previously curated by ICSL or reported in the Human Gene Mutation Database (HGMD: prior to June 1st, 2018), and was therefore a candidate for classification through an automated scoring system. Utilizing variant allele frequency, disease prevalence and penetrance estimates, and inheritance mode, an automated score was calculated to assess if this variant is too frequent to cause the disease. Based on the score and internal cut-off values, a variant classified as benign is not then subjected to further curation. The score for this variant resulted in a classification of benign for this disease.

CHEO Genetics Diagnostic Laboratory, Children's Hospital of Eastern Ontario
Classification: Benign for Cardiomyopathy. Last evaluated: 2017-11-09. Review status: criteria provided, single submitter. Criteria: ACMG Guidelines, 2015. Collection method: clinical testing. Allele origin: germline.

Ambry Genetics
Classification: Benign for Cardiovascular phenotype. Last evaluated: 2016-11-03. Review status: criteria provided, single submitter. Criteria: Ambry Variant Classification Scheme 2023. Collection method: clinical testing. Allele origin: germline.

Eurofins Ntd Llc (ga)
Classification: Benign. Last evaluated: 2015-02-12. Review status: criteria provided, single submitter. Criteria: EGL Classification Definitions 2015. Collection method: clinical testing. Allele origin: germline. Observed: 1 variant allele, 1 heterozygote.

GeneDx
Classification: Benign. Last evaluated: 2013-07-05. Review status: criteria provided, single submitter. Criteria: GeneDx Variant Classification (06012015). Collection method: clinical testing. Allele origin: germline. Affected: yes.
Comment: This variant is considered likely benign or benign based on one or more of the following criteria: it is a conservative change, it occurs at a poorly conserved position in the protein, it is predicted to be benign by multiple in silico algorithms, and/or has population frequency not consistent with disease.

Laboratory for Molecular Medicine, Mass General Brigham Personalized Medicine
Classification: Benign. Last evaluated: 2012-03-19. Review status: criteria provided, single submitter. Criteria: LMM Criteria. Collection method: clinical testing. Allele origin: germline. Observed: 3 variant alleles.
Comment: p.Ser406Ser in Exon 14 of RYR2: This variant is not expected to have clinical si gnificance because it does not alter an amino acid residue, is not located withi n the splice consensus sequence and has been identified in 0.8% (24/3172) of Afr ican American chromosomes from a broad population by the NHLBI Exome Sequencing Project (dbSNP rs147389346).

Breakthrough Genomics
Classification: Likely benign. Review status: criteria provided, single submitter. Criteria: ACMG Guidelines, 2015. Collection method: not provided. Allele origin: germline. Inheritance: Autosomal dominant inheritance. Affected: yes.

Clinical Genetics DNA and cytogenetics Diagnostics Lab, Erasmus MC, Erasmus Medical Center
Classification: Likely benign. Review status: no assertion criteria provided. Collection method: clinical testing. Allele origin: germline. Affected: yes. Study: VKGL Data-share Consensus. Not counted in ClinVar's aggregate classification.

Clinical Genetics, Academic Medical Center
Classification: Benign. Review status: no assertion criteria provided. Collection method: clinical testing. Allele origin: germline. Affected: yes. Study: VKGL Data-share Consensus. Not counted in ClinVar's aggregate classification.

Diagnostic Laboratory, Department of Genetics, University Medical Center Groningen
Classification: Likely benign. Review status: no assertion criteria provided. Collection method: clinical testing. Allele origin: germline. Affected: yes. Study: VKGL Data-share Consensus. Not counted in ClinVar's aggregate classification.

Genome Diagnostics Laboratory, University Medical Center Utrecht
Classification: Likely benign. Review status: no assertion criteria provided. Collection method: clinical testing. Allele origin: germline. Affected: yes. Study: VKGL Data-share Consensus. Not counted in ClinVar's aggregate classification.

NM_001035.3(RYR2):c.1218G>A (p.Ser406=)

Gene: RYR2 (ryanodine receptor 2; plus strand). Cytogenetic location: 1q43.
Variant type: single nucleotide variant.
Coding change: c.1218G>A on transcript NM_001035.3 (MANE Select); coding-DNA position 1218, G replaced by A.
Protein change: p.Ser406=; no amino-acid change (serine 406 retained).
Molecular consequence: synonymous variant.
Genome position (GRCh38, 1-based): chr1:237,445,448, G>A. VCF-style: chr1-237445448-G-A. GRCh37 (hg19) VCF-style: chr1-237608748-G-A.
Other names: p.S406S:TCG>TCA; p.Ser406=.
Identifiers: ClinVar variation 138937 (VCV000138937.65), dbSNP rs147389346, ClinGen allele CA007360.
Genomic context (GRCh38, chr1:237,445,448, plus strand): 5'-TGCTTTCTTACAGGCTATTATGCATCATGAAGGCCACATGGATGATGGCATAAGTTTGTC[G>A]AGATCCCAGCATGAAGAATCACGCACAGCCCGAGTTATCCGGAGCACAGTCTTCCTTTTC-3'
Protein context (NP_001026.2, residues 396-416): EGHMDDGISL[Ser406=]RSQHEESRTA